The following is an entry in ClinVar:

NM_015338.6(ASXL1):c.443C>T (p.Pro148Leu)

Gene: ASXL1 (ASXL transcriptional regulator 1; plus strand). Cytogenetic location: 20q11.21.
Variant type: single nucleotide variant.
Coding change: c.443C>T on transcript NM_015338.6 (MANE Select); coding-DNA position 443, C replaced by T.
Protein change: p.Pro148Leu; replaces proline 148 with leucine.
Molecular consequence: missense variant.
Genome position (GRCh38, 1-based): chr20:32,428,394, C>T. VCF-style: chr20-32428394-C-T. GRCh37 (hg19) VCF-style: chr20-31016197-C-T.
Other names: c.413C>T, p.Pro138Leu (NM_001363734.1); short protein forms P138L, P148L.
Identifiers: ClinVar variation 3956739 (VCV003956739.1).
Genomic context (GRCh38, chr20:32,428,394, plus strand): 5'-ATGAAACATCTTCGAACGCATCCTGTTCTACAGAATCTCAGAGTCGACCTCTTTCCAATC[C>T]CAGGGACAGCTACAGAGCTTCCTCACAGGTAAGGAAGAGGTAGAGCCTAGCCTGGGAGGA-3'
Protein context (NP_056153.2, residues 138-158): TESQSRPLSN[Pro148Leu]RDSYRASSQA

ClinVar aggregate classification (germline): Uncertain significance (1 of 4 stars; one submission).

Conditions:
Inborn genetic diseases. Identifiers: MedGen C0950123, MeSH D030342.

gnomAD v4.1: 2 of 1,613,816 alleles (0.00012%); highest among the groups gnomAD compares: Non-Finnish European, 0.00017%; no homozygotes.

Submission:

Ambry Genetics
Classification: Uncertain significance for Inborn genetic diseases. Last evaluated: 2025-05-07. Review status: criteria provided, single submitter. Criteria: Ambry Variant Classification Scheme 2023. Collection method: clinical testing. Allele origin: germline.
Comment: The p.P148L variant (also known as c.443C>T), located in coding exon 6 of the ASXL1 gene, results from a C to T substitution at nucleotide position 443. The proline at codon 148 is replaced by leucine, an amino acid with similar properties. This amino acid position is conserved. In addition, this alteration is predicted to be tolerated by in silico analysis. Based on the available evidence, the clinical significance of this variant remains unclear.